The following is an entry in ClinVar:

ClinVar aggregate classification (germline): Benign. Review status: criteria provided, single submitter (1 of 4 stars). 2 submissions from 2 submitters: Benign (1). 1 of the submissions does not count toward it. Last evaluated 2022-03-01.

Conditions:
PDE4D-related disorder. Also called: PDE4D-related condition.

Allele frequency attached by ClinVar (database versions not stated): TOPMed 0.00008; gnomAD 0.00005; ExAC 0.00036.
gnomAD v4.1: 281 of 1,599,198 alleles (0.018%); highest among the groups gnomAD compares: South Asian, 0.2%; 3 homozygotes.

Submissions (2):

CeGaT Center for Human Genetics Tuebingen
Classification: Benign. Last evaluated: 2022-03-01. Review status: criteria provided, single submitter. Criteria: CeGaT Center For Human Genetics Tuebingen Variant Classification Criteria Version 2. Collection method: clinical testing. Allele origin: germline. Affected: yes. Observed: 1 variant allele.
Comment: PDE4D: BS1, BS2

PreventionGenetics, part of Exact Sciences
Classification: Likely benign for PDE4D-related condition. Last evaluated: 2019-06-27. Review status: no assertion criteria provided. Collection method: clinical testing. Allele origin: germline. Not counted in ClinVar's aggregate classification.
Comment: This variant is classified as likely benign based on ACMG/AMP sequence variant interpretation guidelines (Richards et al. 2015 PMID: 25741868, with internal and published modifications).

NM_001349241.2(PDE4D):c.115C>A (p.Pro39Thr)

Gene: PDE4D (phosphodiesterase 4D; minus strand). Cytogenetic location: 5q12.1.
Variant type: single nucleotide variant.
Coding change: c.115C>A on transcript NM_001349241.2; coding-DNA position 115, C replaced by A.
Protein change: p.Pro39Thr; replaces proline 39 with threonine.
Molecular consequence: missense variant. On other transcripts: 5 prime UTR variant (1).
Genome position (GRCh38, 1-based): chr5:59,988,615, G>T on the plus strand (C>A on the coding strand, the complement: PDE4D is on the minus strand). VCF-style: chr5-59988615-G-T. GRCh37 (hg19) VCF-style: chr5-59284442-G-T.
Other names: c.145C>A, p.Pro49Thr (NM_001165899.2, NM_001364599.1, NM_001364600.2); c.-367C>A (NM_001349243.2); short protein forms P39T, P49T.
Identifiers: ClinVar variation 2655477 (VCV002655477.23), dbSNP rs748984656, ClinGen allele CA3276732.